The following is an entry in ClinVar:

NM_001009944.3(PKD1):c.4515_4517del (p.Gly1506del)

Gene: PKD1 (polycystin 1, transient receptor potential channel interacting; minus strand). Cytogenetic location: 16p13.3.
Variant type: Deletion.
Coding change: c.4515_4517del on transcript NM_001009944.3 (MANE Select); coding-DNA positions 4515 to 4517, 3 bases deleted (TGG; older notation c.4515_4517delTGG).
Protein change: p.Gly1506del; deletes glycine 1506.
Genome position (GRCh38, 1-based): chr16:2,110,650-2,110,652, CCA deleted on the plus strand (TGG on the coding strand, the reverse complement: PKD1 is on the minus strand); deleting any 3 consecutive bases within chr16:2,110,650-2,110,654 gives the same sequence; the c. name uses the placement nearest the transcript's 3' end. VCF-style (leftmost placement, unchanged base first): chr16-2110649-CCCA-C. GRCh37 (hg19) VCF-style: chr16-2160650-CCCA-C.
Other names: p.Gly1506del; c.4515_4517del, p.Gly1506del (NM_000296.4); short protein forms G1506del.
Identifiers: ClinVar variation 2683338 (VCV002683338.1), dbSNP rs2544821047, ClinGen allele CA2697549593.

ClinVar aggregate classification (germline): Uncertain significance (1 of 4 stars; one submission).

Submission:

Mayo Clinic Laboratories, Mayo Clinic
Classification: Uncertain significance. Last evaluated: 2023-06-02. Review status: criteria provided, single submitter. Criteria: ACMG Guidelines, 2015. Collection method: clinical testing. Allele origin: germline. Observed: 2 variant alleles.
Comment: PM2_supporting, PM4